The following is an entry in ClinVar:

ClinVar aggregate classification (germline): Uncertain significance (1 of 4 stars; one submission).

Submission:

Labcorp Genetics (formerly Invitae), Labcorp
Classification: Uncertain significance. Last evaluated: 2022-03-21. Review status: criteria provided, single submitter. Criteria: Invitae Variant Classification Sherloc (09022015). Collection method: clinical testing. Allele origin: germline.
Comment: This sequence change replaces valine, which is neutral and non-polar, with alanine, which is neutral and non-polar, at codon 1973 of the ACACA protein (p.Val1973Ala). In summary, the available evidence is currently insufficient to determine the role of this variant in disease. Therefore, it has been classified as a Variant of Uncertain Significance. Algorithms developed to predict the effect of missense changes on protein structure and function are either unavailable or do not agree on the potential impact of this missense change (SIFT: "Tolerated"; PolyPhen-2: "Possibly Damaging"; Align-GVGD: "Class C0"). This variant has not been reported in the literature in individuals affected with ACACA-related conditions. This variant is not present in population databases (gnomAD no frequency).

NM_198834.3(ACACA):c.6029T>C (p.Val2010Ala)

Gene: ACACA (acetyl-CoA carboxylase alpha; minus strand). Cytogenetic location: 17q12.
Variant type: single nucleotide variant.
Coding change: c.6029T>C on transcript NM_198834.3 (MANE Select); coding-DNA position 6029, T replaced by C.
Protein change: p.Val2010Ala; replaces valine 2010 with alanine.
Molecular consequence: missense variant.
Genome position (GRCh38, 1-based): chr17:37,125,710, A>G on the plus strand (T>C on the coding strand, the complement: ACACA is on the minus strand). VCF-style: chr17-37125710-A-G. GRCh37 (hg19) VCF-style: chr17-35482631-A-G.
Other names: c.5918T>C, p.Val1973Ala (NM_198836.3, NM_198839.3); c.5744T>C, p.Val1915Ala (NM_198837.2); c.5684T>C, p.Val1895Ala (NM_198838.2); short protein forms V1895A, V2010A, V1915A, V1973A.
Identifiers: ClinVar variation 2115613 (VCV002115613.4), dbSNP rs2544997709, ClinGen allele CA399174899.